The following is an entry in ClinVar:

ClinVar aggregate classification (germline): Benign/Likely benign. Review status: criteria provided, multiple submitters, no conflicts (2 of 4 stars). 5 submissions from 5 submitters: Benign (4); Likely benign (1). Last evaluated 2026-01-25.

Conditions:
Epilepsy, childhood absence, susceptibility to, 6. Identifiers: Orphanet 64280, MedGen C2749872, MONDO:0012763, OMIM 611942.
Hyperaldosteronism, familial, type IV (HALD4). Also called: FH IV; ALDOSTERONISM, PRIMARY, AND HYPERTENSION. Identifiers: Orphanet 642671, MedGen C4310756, MONDO:0014875, OMIM 617027.
Idiopathic generalized epilepsy. Also called: Generalised epilepsy; EIG. Identifiers: MedGen C0270850, MONDO:0005579, OMIM 600669.

Allele frequency attached by ClinVar (database versions not stated): gnomAD 0.00488; 1000 Genomes Project 30x 0.00547; 1000 Genomes Project 0.00559; ESP Exome Variant Server 0.00590; TOPMed 0.00619.
gnomAD v4.1: 1,615 of 1,603,918 alleles (0.1%); highest among the groups gnomAD compares: African/African-American, 1.8%; 12 homozygotes.

Submissions (5):

Labcorp Genetics (formerly Invitae), Labcorp
Classification: Benign for Idiopathic generalized epilepsy; Hyperaldosteronism, familial, type IV. Last evaluated: 2026-01-25. Review status: criteria provided, single submitter. Criteria: Invitae Variant Classification Sherloc (09022015). Collection method: clinical testing. Allele origin: germline.

Mayo Clinic Laboratories, Mayo Clinic
Classification: Benign. Last evaluated: 2024-12-13. Review status: criteria provided, single submitter. Criteria: ACMG Guidelines, 2015. Collection method: clinical testing. Allele origin: germline. Observed: 1 variant allele.
Comment: BA1, BS2, BP4, BP7

Blueprint Genetics
Classification: Likely benign. Last evaluated: 2024-10-18. Review status: criteria provided, single submitter. Criteria: ACMG Guidelines, 2015. Collection method: clinical testing. Allele origin: germline.

Fulgent Genetics
Classification: Benign for Epilepsy, childhood absence, susceptibility to, 6; Hyperaldosteronism, familial, type IV. Last evaluated: 2021-08-04. Review status: criteria provided, single submitter. Criteria: ACMG Guidelines, 2015. Collection method: clinical testing. Allele origin: unknown.

Breakthrough Genomics
Classification: Benign. Review status: criteria provided, single submitter. Criteria: ACMG Guidelines, 2015. Collection method: not provided. Allele origin: germline. Inheritance: Autosomal dominant inheritance. Affected: yes.

NM_021098.3(CACNA1H):c.4932G>A (p.Ser1644=)

Gene: CACNA1H (calcium voltage-gated channel subunit alpha1 H; plus strand). Cytogenetic location: 16p13.3.
Variant type: single nucleotide variant.
Coding change: c.4932G>A on transcript NM_021098.3 (MANE Select); coding-DNA position 4932, G replaced by A.
Protein change: p.Ser1644=; no amino-acid change (serine 1644 retained).
Molecular consequence: synonymous variant.
Genome position (GRCh38, 1-based): chr16:1,214,974, G>A. VCF-style: chr16-1214974-G-A. GRCh37 (hg19) VCF-style: chr16-1264974-G-A.
Other names: p.Ser1644=; c.4914G>A, p.Ser1638= (NM_001005407.2).
Identifiers: ClinVar variation 529688 (VCV000529688.16), dbSNP rs58764017, ClinGen allele CA7801710.
Genomic context (GRCh38, chr16:1,214,974, plus strand): 5'-CAGGGGGAAGAGGGGTGGCCCCAGCCCCACCTCAGCCAGCCCGACCCTCCACCCCCAGTC[G>A]CTGGACGAGGCCCTCAAGTACTGCAACTACGTCTTCACCATCGTGTTTGTCTTCGAGGCT-3'
Protein context (NP_066921.2, residues 1634-1654): MSMEHYNQPK[Ser1644=]LDEALKYCNY